The following is an entry in ClinVar:

ClinVar aggregate classification (germline): Uncertain significance (1 of 4 stars; one submission).

Conditions:
Ulnar-mammary syndrome (UMS). Also called: PALLISTER ULNAR-MAMMARY SYNDROME; Ulnar-mammary syndrome of Pallister; SCHINZEL SYNDROME. Identifiers: Orphanet 3138, MedGen C1866994, MONDO:0008411, OMIM 181450.

Submission:

Labcorp Genetics (formerly Invitae), Labcorp
Classification: Uncertain significance for Ulnar-mammary syndrome. Last evaluated: 2023-06-13. Review status: criteria provided, single submitter. Criteria: Invitae Variant Classification Sherloc (09022015). Collection method: clinical testing. Allele origin: germline.
Comment: This sequence change replaces leucine, which is neutral and non-polar, with valine, which is neutral and non-polar, at codon 690 of the TBX3 protein (p.Leu690Val). This variant is not present in population databases (gnomAD no frequency). This variant has not been reported in the literature in individuals affected with TBX3-related conditions. An algorithm developed to predict the effect of missense changes on protein structure and function (PolyPhen-2) suggests that this variant is likely to be disruptive. In summary, the available evidence is currently insufficient to determine the role of this variant in disease. Therefore, it has been classified as a Variant of Uncertain Significance.

NM_005996.4(TBX3):c.2068C>G (p.Leu690Val)

Gene: TBX3 (T-box transcription factor 3; minus strand). Cytogenetic location: 12q24.21.
Variant type: single nucleotide variant.
Coding change: c.2068C>G on transcript NM_005996.4 (MANE Select); coding-DNA position 2068, C replaced by G.
Protein change: p.Leu690Val; replaces leucine 690 with valine.
Molecular consequence: missense variant.
Genome position (GRCh38, 1-based): chr12:114,671,945, G>C on the plus strand (C>G on the coding strand, the complement: TBX3 is on the minus strand). VCF-style: chr12-114671945-G-C. GRCh37 (hg19) VCF-style: chr12-115109750-G-C.
Other names: c.2128C>G, p.Leu710Val (NM_016569.4); short protein forms L710V, L690V.
Identifiers: ClinVar variation 2827679 (VCV002827679.3), dbSNP rs2499783090, ClinGen allele CA386867626.